The following is an entry in ClinVar:

ClinVar aggregate classification (germline): Pathogenic (1 of 4 stars; one submission).

Submission:

GeneDx
Classification: Pathogenic. Last evaluated: 2024-06-13. Review status: criteria provided, single submitter. Criteria: GeneDx Variant Classification Process June 2021. Collection method: clinical testing. Allele origin: germline. Affected: yes.
Comment: Nonsense variant predicted to result in protein truncation or nonsense mediated decay in a gene for which loss of function is a known mechanism of disease; Not observed at significant frequency in large population cohorts (gnomAD); This variant is associated with the following publications: (PMID: Morais2023[article])

NM_001148.6(ANK2):c.3412C>T (p.Arg1138Ter)

Gene: ANK2 (ankyrin 2; plus strand). Cytogenetic location: 4q26.
Variant type: single nucleotide variant.
Coding change: c.3412C>T on transcript NM_001148.6 (MANE Select); coding-DNA position 3412, C replaced by T.
Protein change: p.Arg1138Ter; replaces arginine 1138 with a stop codon.
Molecular consequence: nonsense.
Genome position (GRCh38, 1-based): chr4:113,335,878, C>T. VCF-style: chr4-113335878-C-T. GRCh37 (hg19) VCF-style: chr4-114257034-C-T.
Other names: c.3385C>T, p.Arg1129Ter (NM_001127493.3); c.3424C>T, p.Arg1142Ter (NM_001354225.2); c.3313C>T, p.Arg1105Ter (NM_001354228.2, NM_001354258.2); c.3391C>T, p.Arg1131Ter (NM_001354230.2); c.3454C>T, p.Arg1152Ter (NM_001354231.2, NM_001354242.2); c.3448C>T, p.Arg1150Ter (NM_001354232.2); c.3409C>T, p.Arg1137Ter (NM_001354235.2, NM_001354246.2, NM_001354265.2); c.3310C>T, p.Arg1104Ter (NM_001354236.2); and 30 more; short protein forms R1010*, R1038*, R1043*, R1051*, R1063*, R1067*, R1071*, R1072*.
Identifiers: ClinVar variation 3390615 (VCV003390615.1).